The following is an entry in ClinVar:

NM_007294.4(BRCA1):c.1364_1365insGA (p.Asn455fs)

Gene: BRCA1 (BRCA1 DNA repair associated; minus strand). Cytogenetic location: 17q21.31.
Variant type: Insertion.
Coding change: c.1364_1365insGA on transcript NM_007294.4 (MANE Select); coding-DNA positions 1364 to 1365, GA inserted.
Protein change: p.Asn455fs; shifts the reading frame from asparagine 455.
Molecular consequence: frameshift variant. On other transcripts: intron variant (137).
Genome position: GRCh38 VCF-style: chr17-43094166-A-ATC. GRCh37 (hg19) VCF-style: chr17-41246183-A-ATC.
Other names: c.1364_1365insGA, p.Asn455fs (NM_007294.3, NM_007300.4, NM_001407581.1 and 31 more transcripts); c.1151_1152insGA, p.Asn384fs (NM_001407917.1, NM_001407918.1, NM_001407571.1 and 9 more transcripts); c.1241_1242insGA, p.Asn414fs (NM_001407919.1, NM_001407937.1, NM_001407938.1 and 19 more transcripts); c.1100_1101insGA, p.Asn367fs (NM_001407920.1, NM_001407921.1, NM_001407922.1 and 9 more transcripts); c.1097_1098insGA, p.Asn366fs (NM_001407930.1, NM_001407931.1, NM_001407932.1 and 2 more transcripts); c.1238_1239insGA, p.Asn413fs (NM_001407940.1, NM_001407941.1, NM_001407649.1 and 11 more transcripts); c.1223_1224insGA, p.Asn408fs (NM_001407942.1, NM_001407944.1, NM_001407945.1 and 29 more transcripts); c.1220_1221insGA, p.Asn407fs (NM_001407943.1, NM_001407964.1, NM_001407740.1 and 20 more transcripts); and 40 more; short protein forms N455fs, N408fs, N287fs, N327fs, N428fs, N452fs, N159fs, N366fs.
Identifiers: ClinVar variation 548300 (VCV000548300.2), dbSNP rs1555591846, ClinGen allele CA658824526.

ClinVar aggregate classification (germline): Pathogenic (3 of 4 stars; one submission).

Conditions:
Breast-ovarian cancer, familial, susceptibility to, 1 (BROVCA1). Also called: BRCA1 Hereditary Breast and Ovarian Cancer; OVARIAN CANCER, SUSCEPTIBILITY TO. Identifiers: Orphanet 145, MedGen C2676676, MONDO:0011450, OMIM 604370. Disease mechanism: loss of function.

Submission:

Evidence-based Network for the Interpretation of Germline Mutant Alleles (ENIGMA)
Classification: Pathogenic for Breast-ovarian cancer, familial, susceptibility to, 1. Last evaluated: 2017-12-15. Review status: reviewed by expert panel. Criteria: ENIGMA BRCA1/2 Classification Criteria (2017-06-29). Collection method: curation. Allele origin: germline. Study: ENIGMA.
Comment: Variant allele predicted to encode a truncated non-functional protein.